The following is an entry in ClinVar:

ClinVar aggregate classification (germline): Pathogenic. Review status: criteria provided, multiple submitters, no conflicts (2 of 4 stars). 2 submissions from 2 submitters: Pathogenic (2). Last evaluated 2026-04-30.

Conditions:
Cardiovascular phenotype. Identifiers: MedGen CN230736.
Hereditary cancer-predisposing syndrome. Also called: Hereditary Cancer Syndrome; Neoplastic Syndromes, Hereditary; Tumor predisposition; Hereditary neoplastic syndrome. Identifiers: Orphanet 140162, MedGen C0027672, MeSH D009386, MONDO:0015356.
Neurofibromatosis, type 1 (NF1). Also called: Peripheral type neurofibromatosis; VON RECKLINGHAUSEN DISEASE; Neurofibromatosis, type I; NEUROFIBROMATOSIS, TYPE I, SOMATIC. Identifiers: Orphanet 636, MedGen C0027831, MONDO:0018975, OMIM 162200. Disease mechanism: loss of function.

Submissions (2):

Ambry Genetics
Classification: Pathogenic for Cardiovascular phenotype; Hereditary cancer-predisposing syndrome. Last evaluated: 2026-04-30. Review status: criteria provided, single submitter. Criteria: Ambry Variant Classification Scheme 2023. Collection method: clinical testing. Allele origin: germline.
Comment: The c.2002-2A>G intronic pathogenic mutation results from an A to G substitution two nucleotides upstream from coding exon 18 in the NF1 gene. This variant was reported in individual(s) with features consistent with neurofibromatosis type 1 (Zhang J et al. Sci Rep, 2015 Jun;5:11291; Ambry internal data). In silico splice site analysis predicts that this alteration will weaken the native splice acceptor site and will result in the creation or strengthening of a novel splice acceptor site. RNA studies have demonstrated that this variant results in abnormal splicing in the set of samples tested (Ambry internal data). This variant is considered to be rare based on population cohorts in the Genome Aggregation Database (gnomAD). Based on the supporting evidence, this variant is interpreted as a disease-causing mutation.

Labcorp Genetics (formerly Invitae), Labcorp
Classification: Pathogenic for Neurofibromatosis, type 1. Last evaluated: 2023-08-28. Review status: criteria provided, single submitter. Criteria: Invitae Variant Classification Sherloc (09022015). Collection method: clinical testing. Allele origin: germline.
Comment: For these reasons, this variant has been classified as Pathogenic. Algorithms developed to predict the effect of sequence changes on RNA splicing suggest that this variant may disrupt the consensus splice site. ClinVar contains an entry for this variant (Variation ID: 969514). Disruption of this splice site has been observed in individual(s) with clinical features of neurofibromatosis type 1 (PMID: 16944272, 26056819, 31370276). This variant is not present in population databases (gnomAD no frequency). This sequence change affects an acceptor splice site in intron 17 of the NF1 gene. It is expected to disrupt RNA splicing. Variants that disrupt the donor or acceptor splice site typically lead to a loss of protein function (PMID: 16199547), and loss-of-function variants in NF1 are known to be pathogenic (PMID: 10712197, 23913538).

Literature cited by the submitters: PubMed 26056819 (cited by Ambry Genetics and Labcorp Genetics (formerly Invitae), Labcorp); PubMed 16944272 (cited by Labcorp Genetics (formerly Invitae), Labcorp); PubMed 31370276 (cited by Labcorp Genetics (formerly Invitae), Labcorp); PubMed 16199547 (cited by Labcorp Genetics (formerly Invitae), Labcorp); PubMed 10712197 (cited by Labcorp Genetics (formerly Invitae), Labcorp); PubMed 23913538 (cited by Labcorp Genetics (formerly Invitae), Labcorp).

NM_001042492.3(NF1):c.2002-2A>G

Gene: NF1 (neurofibromin 1; plus strand). Cytogenetic location: 17q11.2.
Variant type: single nucleotide variant.
Coding change: c.2002-2A>G on transcript NM_001042492.3 (MANE Select); the canonical splice acceptor site of the intron before coding-DNA position 2002, A replaced by G.
Molecular consequence: splice acceptor variant.
Genome position (GRCh38, 1-based): chr17:31,226,433, A>G. VCF-style: chr17-31226433-A-G. GRCh37 (hg19) VCF-style: chr17-29553451-A-G.
Other names: c.2002-2A>G (NM_000267.4).
Identifiers: ClinVar variation 969514 (VCV000969514.8), dbSNP rs1555613741, ClinGen allele CA398981982.
Genomic context (GRCh38, chr17:31,226,433, plus strand): 5'-TTAGATTTTATACATAAAATTACCCAAGTTGCAAATATATGTCTTCCACCCTTGACTCTC[A>G]GGATAGTGCAGCAGGATGCAGCGGAACCCCCCCGATTTGCCGACAAGCCCAGACCAAACT-3'